The following is an entry in ClinVar:

NM_014625.4(NPHS2):c.267C>G (p.Pro89=)

Gene: NPHS2 (NPHS2 stomatin family member, podocin; minus strand). Cytogenetic location: 1q25.2.
Variant type: single nucleotide variant.
Coding change: c.267C>G on transcript NM_014625.4 (MANE Select); coding-DNA position 267, C replaced by G.
Protein change: p.Pro89=; no amino-acid change (proline 89 retained).
Molecular consequence: synonymous variant.
Genome position (GRCh38, 1-based): chr1:179,575,598, G>C on the plus strand (C>G on the coding strand, the complement: NPHS2 is on the minus strand). VCF-style: chr1-179575598-G-C. GRCh37 (hg19) VCF-style: chr1-179544733-G-C.
Other names: c.267C>G, p.Pro89= (NM_001297575.2); c.267C>G (NM_014625.3).
Identifiers: ClinVar variation 1104607 (VCV001104607.9), dbSNP rs770240510, ClinGen allele CA1267285.

ClinVar aggregate classification (germline): Likely benign. Review status: criteria provided, single submitter (1 of 4 stars). 2 submissions from 2 submitters: Likely benign (1). 1 of the submissions does not count toward it. Last evaluated 2024-02-10.

Conditions:
NPHS2-related disorder. Also called: NPHS2-related condition.

Allele frequency attached by ClinVar (database versions not stated): gnomAD 0.00001; TOPMed 0.00001; ExAC 0.00002; gnomAD exomes 0.00002.
gnomAD v4.1: 8 of 1,601,528 alleles (0.0005%); highest among the groups gnomAD compares: Admixed American, 0.0017%; no homozygotes.

Submissions (2):

Labcorp Genetics (formerly Invitae), Labcorp
Classification: Likely benign. Last evaluated: 2024-02-10. Review status: criteria provided, single submitter. Criteria: Invitae Variant Classification Sherloc (09022015). Collection method: clinical testing. Allele origin: germline.

PreventionGenetics, part of Exact Sciences
Classification: Likely benign for NPHS2-related condition. Last evaluated: 2021-07-05. Review status: no assertion criteria provided. Collection method: clinical testing. Allele origin: germline. Not counted in ClinVar's aggregate classification.
Comment: This variant is classified as likely benign based on ACMG/AMP sequence variant interpretation guidelines (Richards et al. 2015 PMID: 25741868, with internal and published modifications).